The following is an entry in ClinVar:

ClinVar aggregate classification (germline): Conflicting classifications of pathogenicity. Review status: criteria provided, conflicting classifications (1 of 4 stars). 2 submissions from 2 submitters: Uncertain significance (1); Likely benign (1). Last evaluated 2025-12-10.

Conditions:
Ullrich congenital muscular dystrophy 2 (UCMD2). Identifiers: Orphanet 75840, MedGen C4225314, MONDO:0014654, OMIM 616470.
Bethlem myopathy 2 (BTHLM2). Identifiers: Orphanet 536516, Orphanet 610, MedGen C4225313, MONDO:0034022, OMIM 616471.

Allele frequency attached by ClinVar (database versions not stated): gnomAD exomes 0.00002 and 0.00004; ExAC 0.00003; TOPMed 0.00003.
gnomAD v4.1: 14 of 1,610,558 alleles (0.00087%); highest among the groups gnomAD compares: Admixed American, 0.023%; no homozygotes.

Submissions (2):

Labcorp Genetics (formerly Invitae), Labcorp
Classification: Likely benign for Bethlem myopathy 2; Ullrich congenital muscular dystrophy 2. Last evaluated: 2025-12-10. Review status: criteria provided, single submitter. Criteria: Invitae Variant Classification Sherloc (09022015). Collection method: clinical testing. Allele origin: germline.

GeneDx
Classification: Uncertain significance. Last evaluated: 2022-10-18. Review status: criteria provided, single submitter. Criteria: GeneDx Variant Classification Process June 2021. Collection method: clinical testing. Allele origin: germline. Affected: yes.
Comment: In silico analysis supports that this missense variant has a deleterious effect on protein structure/function; Has not been previously published as pathogenic or benign to our knowledge

NM_004370.6(COL12A1):c.7801G>T (p.Asp2601Tyr)

Gene: COL12A1 (collagen type XII alpha 1 chain; minus strand). Cytogenetic location: 6q13.
Variant type: single nucleotide variant.
Coding change: c.7801G>T on transcript NM_004370.6 (MANE Select); coding-DNA position 7801, G replaced by T.
Protein change: p.Asp2601Tyr; replaces aspartic acid 2601 with tyrosine.
Molecular consequence: missense variant.
Genome position (GRCh38, 1-based): chr6:75,113,641, C>A on the plus strand (G>T on the coding strand, the complement: COL12A1 is on the minus strand). VCF-style: chr6-75113641-C-A. GRCh37 (hg19) VCF-style: chr6-75823357-C-A.
Other names: c.7801G>T (NM_004370.5); c.4309G>T, p.Asp1437Tyr (NM_080645.3); short protein forms D2601Y, D1437Y.
Identifiers: ClinVar variation 1435704 (VCV001435704.6), dbSNP rs757556640, ClinGen allele CA3892461.
Genomic context (GRCh38, chr6:75,113,641, plus strand): 5'-CCTTAAGATAAAAATTCTTACGATCTGCAATCACTCCAACTTGTGGTTTGTAGTCTCTGT[C>A]TGTGATTTGCCAAATTGCAAAAGGGTCACTGGGAGTTTCTGGGAGAAGTCTGAATAATAA-3'
Protein context (NP_004361.3, residues 2591-2611): SDPFAIWQIT[Asp2601Tyr]RDYKPQVGVI